The following is an entry in ClinVar:

NM_018124.4(RFWD3):c.1234C>G (p.Gln412Glu)

Gene: RFWD3 (ring finger and WD repeat domain 3; minus strand). Cytogenetic location: 16q23.1.
Variant type: single nucleotide variant.
Coding change: c.1234C>G on transcript NM_018124.4 (MANE Select); coding-DNA position 1234, C replaced by G.
Protein change: p.Gln412Glu; replaces glutamine 412 with glutamic acid.
Molecular consequence: missense variant.
Genome position (GRCh38, 1-based): chr16:74,636,538, G>C on the plus strand (C>G on the coding strand, the complement: RFWD3 is on the minus strand). VCF-style: chr16-74636538-G-C. GRCh37 (hg19) VCF-style: chr16-74670436-G-C.
Other names: c.1234C>G, p.Gln412Glu (NM_001370534.1, NM_001370535.1, NM_001370536.1); c.400C>G, p.Gln134Glu (NM_001370537.1, NM_001370539.1, NM_001370540.1 and 2 more transcripts); short protein forms Q412E, Q134E.
Identifiers: ClinVar variation 3669530 (VCV003669530.2).
Genomic context (GRCh38, chr16:74,636,538, plus strand): 5'-GCTGGCCCTGGCTGGAGGGTGAGCAGCTCAGGACCCATGCTTGGGAGCCCCTGGGTTGCT[G>C]TAAATTCTGACTTTGATGTGACGTAAGTTTTTGCAAGTCCTAAAATGAAAAAGATTTTAT-3'
Protein context (NP_060594.3, residues 402-422): KLTSHQSQNL[Gln412Glu]QPRGSQAWVL

ClinVar aggregate classification (germline): Uncertain significance (1 of 4 stars; one submission).

Submission:

Labcorp Genetics (formerly Invitae), Labcorp
Classification: Uncertain significance. Last evaluated: 2024-03-24. Review status: criteria provided, single submitter. Criteria: Invitae Variant Classification Sherloc (09022015). Collection method: clinical testing. Allele origin: germline.
Comment: This sequence change replaces glutamine, which is neutral and polar, with glutamic acid, which is acidic and polar, at codon 412 of the RFWD3 protein (p.Gln412Glu). This variant is not present in population databases (gnomAD no frequency). This variant has not been reported in the literature in individuals affected with RFWD3-related conditions. An algorithm developed to predict the effect of missense changes on protein structure and function (PolyPhen-2) suggests that this variant is likely to be tolerated. In summary, the available evidence is currently insufficient to determine the role of this variant in disease. Therefore, it has been classified as a Variant of Uncertain Significance.